The following is an entry in ClinVar:

ClinVar aggregate classification (germline): Uncertain significance (1 of 4 stars; one submission).

Allele frequency attached by ClinVar (database versions not stated): TOPMed below 0.00001; gnomAD 0.00001.
gnomAD v4.1: 1 of 1,588,384 alleles (0.000063%); highest among the groups gnomAD compares: African/African-American, 0.0013%; no homozygotes.

Submission:

Labcorp Genetics (formerly Invitae), Labcorp
Classification: Uncertain significance. Last evaluated: 2025-04-26. Review status: criteria provided, single submitter. Criteria: Invitae Variant Classification Sherloc (09022015). Collection method: clinical testing. Allele origin: germline.
Comment: This sequence change replaces proline, which is neutral and non-polar, with leucine, which is neutral and non-polar, at codon 383 of the IKZF1 protein (p.Pro383Leu). This variant is present in population databases (no rsID available, gnomAD 0.01%). This variant has not been reported in the literature in individuals affected with IKZF1-related conditions. ClinVar contains an entry for this variant (Variation ID: 2814015). An algorithm developed to predict the effect of missense changes on protein structure and function (PolyPhen-2) suggests that this variant is likely to be tolerated. In summary, the available evidence is currently insufficient to determine the role of this variant in disease. Therefore, it has been classified as a Variant of Uncertain Significance.

NM_006060.6(IKZF1):c.1148C>T (p.Pro383Leu)

Gene: IKZF1 (IKAROS family zinc finger 1; plus strand). Cytogenetic location: 7p12.2.
Variant type: single nucleotide variant.
Coding change: c.1148C>T on transcript NM_006060.6 (MANE Select); coding-DNA position 1148, C replaced by T.
Protein change: p.Pro383Leu; replaces proline 383 with leucine.
Molecular consequence: missense variant.
Genome position (GRCh38, 1-based): chr7:50,400,215, C>T. VCF-style: chr7-50400215-C-T. GRCh37 (hg19) VCF-style: chr7-50467913-C-T.
Other names: c.1022C>T, p.Pro341Leu (NM_001220765.3, NM_001291837.2); c.857C>T, p.Pro286Leu (NM_001220767.2); c.887C>T, p.Pro296Leu (NM_001220768.2, NM_001291838.2); c.731C>T, p.Pro244Leu (NM_001220770.2); c.719C>T, p.Pro240Leu (NM_001220771.2, NM_001291841.1); c.761C>T, p.Pro254Leu (NM_001291839.2); c.458C>T, p.Pro153Leu (NM_001291840.1); c.689C>T, p.Pro230Leu (NM_001291842.1); and 3 more; short protein forms P188L, P240L, P244L, P153L, P230L, P341L, P383L, P403L.
Identifiers: ClinVar variation 2814015 (VCV002814015.3), dbSNP rs1050903860, ClinGen allele CA158198352.
Genomic context (GRCh38, chr7:50,400,215, plus strand): 5'-ACTCGGCCCAGGACAGCGCCGTGGAGAACCTGCTGCTGCTCTCCAAGGCCAAGTTGGTGC[C>T]CTCGGAGCGCGAGGCGTCCCCGAGCAACAGCTGCCAAGACTCCACGGACACCGAGAGCAA-3'
Protein context (NP_006051.1, residues 373-393): LLLLSKAKLV[Pro383Leu]SEREASPSNS